The following is an entry in ClinVar:

NM_020461.4(TUBGCP6):c.4295C>G (p.Pro1432Arg)

Gene: TUBGCP6 (tubulin gamma complex component 6; minus strand). Cytogenetic location: 22q13.33.
Variant type: single nucleotide variant.
Coding change: c.4295C>G on transcript NM_020461.4 (MANE Select); coding-DNA position 4295, C replaced by G.
Protein change: p.Pro1432Arg; replaces proline 1432 with arginine.
Molecular consequence: missense variant.
Genome position (GRCh38, 1-based): chr22:50,219,664, G>C on the plus strand (C>G on the coding strand, the complement: TUBGCP6 is on the minus strand). VCF-style: chr22-50219664-G-C. GRCh37 (hg19) VCF-style: chr22-50658093-G-C.
Other names: short protein forms P1432R.
Identifiers: ClinVar variation 1424892 (VCV001424892.8), dbSNP rs369501784, ClinGen allele CA10307595.

ClinVar aggregate classification (germline): Uncertain significance (1 of 4 stars; one submission).

Allele frequency attached by ClinVar (database versions not stated): TOPMed below 0.00001.
gnomAD v4.1: 8 of 1,613,542 alleles (0.0005%); highest among the groups gnomAD compares: Non-Finnish European, 0.00034%; no homozygotes.

Submission:

Labcorp Genetics (formerly Invitae), Labcorp
Classification: Uncertain significance. Last evaluated: 2021-04-29. Review status: criteria provided, single submitter. Criteria: Invitae Variant Classification Sherloc (09022015). Collection method: clinical testing. Allele origin: germline.
Comment: This sequence change replaces proline with arginine at codon 1432 of the TUBGCP6 protein (p.Pro1432Arg). The proline residue is weakly conserved and there is a moderate physicochemical difference between proline and arginine. In summary, the available evidence is currently insufficient to determine the role of this variant in disease. Therefore, it has been classified as a Variant of Uncertain Significance. Algorithms developed to predict the effect of missense changes on protein structure and function are either unavailable or do not agree on the potential impact of this missense change (SIFT: "Tolerated"; PolyPhen-2: "Probably Damaging"; Align-GVGD: "Class C0"). This variant has not been reported in the literature in individuals with TUBGCP6-related conditions. This variant is present in population databases (rs369501784, ExAC 0.002%).